The following is an entry in ClinVar:

NM_000088.4(COL1A1):c.3377C>G (p.Pro1126Arg)

Gene: COL1A1 (collagen type I alpha 1 chain; minus strand). Cytogenetic location: 17q21.33.
Variant type: single nucleotide variant.
Coding change: c.3377C>G on transcript NM_000088.4 (MANE Select); coding-DNA position 3377, C replaced by G.
Protein change: p.Pro1126Arg; replaces proline 1126 with arginine.
Molecular consequence: missense variant.
Genome position (GRCh38, 1-based): chr17:50,187,530, G>C on the plus strand (C>G on the coding strand, the complement: COL1A1 is on the minus strand). VCF-style: chr17-50187530-G-C. GRCh37 (hg19) VCF-style: chr17-48264891-G-C.
Other names: short protein forms P1126R.
Identifiers: ClinVar variation 4613923 (VCV004613923.1).
Genomic context (GRCh38, chr17:50,187,530, plus strand): 5'-AAGGCATGACTTACTCGGGGACCAGCAGGACCAGAGGCTCCAGAGGGACCTTGTTCACCA[G>C]GAGAGCCCTGAAGGACAGATAAAAAAGGCAGTTCAGGCCCAGTGAGCGTCAAATGTAGCC-3'
Protein context (NP_000079.2, residues 1116-1136): LQGPPGPPGS[Pro1126Arg]GEQGPSGASG

ClinVar aggregate classification (germline): Uncertain significance (1 of 4 stars; one submission).

Conditions:
Cardiovascular phenotype. Identifiers: MedGen CN230736.

Submission:

Ambry Genetics
Classification: Uncertain significance for Cardiovascular phenotype. Last evaluated: 2025-12-04. Review status: criteria provided, single submitter. Criteria: Ambry Variant Classification Scheme 2023. Collection method: clinical testing. Allele origin: germline.
Comment: The p.P1126R variant (also known as c.3377C>G), located in coding exon 46 of the COL1A1 gene, results from a C to G substitution at nucleotide position 3377. The proline at codon 1126 is replaced by arginine, an amino acid with dissimilar properties. This amino acid position is conserved. In addition, the in silico prediction for this alteration is inconclusive. Based on the available evidence, the clinical significance of this variant remains unclear.